The following is an entry in ClinVar:

NM_144687.4(NLRP12):c.960G>A (p.Thr320=)

Gene: NLRP12 (NLR family pyrin domain containing 12; minus strand). Cytogenetic location: 19q13.42.
Variant type: single nucleotide variant.
Coding change: c.960G>A on transcript NM_144687.4 (MANE Select); coding-DNA position 960, G replaced by A.
Protein change: p.Thr320=; no amino-acid change (threonine 320 retained).
Molecular consequence: synonymous variant.
Genome position (GRCh38, 1-based): chr19:53,810,699, C>T on the plus strand (G>A on the coding strand, the complement: NLRP12 is on the minus strand). VCF-style: chr19-53810699-C-T. GRCh37 (hg19) VCF-style: chr19-54313953-C-T.
Other names: p.Thr320=; c.960G>A, p.Thr320= (NM_001277126.2, NM_001277129.1).
Identifiers: ClinVar variation 330034 (VCV000330034.58), dbSNP rs77625808, ClinGen allele CA9639556.

ClinVar aggregate classification (germline): Benign. Review status: criteria provided, multiple submitters, no conflicts (2 of 4 stars). 8 submissions from 8 submitters: Benign (8). Last evaluated 2026-09-01.

Conditions:
Familial cold autoinflammatory syndrome 2 (FCAS2). Identifiers: Orphanet 247868, MedGen C2673198, MONDO:0012724, OMIM 611762.
Autoinflammatory syndrome. Identifiers: Orphanet 93665, MedGen C3890737, MONDO:0019751.

Allele frequency attached by ClinVar (database versions not stated): 1000 Genomes Project 0.00180; 1000 Genomes Project 30x 0.00187; TOPMed 0.00305; gnomAD 0.00306 and 0.00311; ESP Exome Variant Server 0.00469.

Submissions (8):

CeGaT Center for Human Genetics Tuebingen
Classification: Benign. Last evaluated: 2026-09-01. Review status: criteria provided, single submitter. Criteria: CeGaT Center For Human Genetics Tuebingen Variant Classification Criteria Version 2. Collection method: clinical testing. Allele origin: germline. Affected: yes. Observed: 17 variant alleles.
Comment: NLRP12: BP4, BP7, BS1, BS2

Women's Health and Genetics/Laboratory Corporation of America, LabCorp
Classification: Benign. Last evaluated: 2026-04-06. Review status: criteria provided, single submitter. Criteria: LabCorp Variant Classification Summary - May 2015. Collection method: clinical testing. Allele origin: germline.

Labcorp Genetics (formerly Invitae), Labcorp
Classification: Benign for Familial cold autoinflammatory syndrome 2. Last evaluated: 2026-02-04. Review status: criteria provided, single submitter. Criteria: Invitae Variant Classification Sherloc (09022015). Collection method: clinical testing. Allele origin: germline.

ARUP Laboratories, Molecular Genetics and Genomics, ARUP Laboratories
Classification: Benign for Familial cold autoinflammatory syndrome 2. Last evaluated: 2025-04-30. Review status: criteria provided, single submitter. Criteria: ARUP Molecular Germline Variant Investigation Process 2024. Collection method: clinical testing. Allele origin: germline.

Mayo Clinic Laboratories, Mayo Clinic
Classification: Benign. Last evaluated: 2025-03-20. Review status: criteria provided, single submitter. Criteria: ACMG Guidelines, 2015. Collection method: clinical testing. Allele origin: germline. Observed: 12 variant alleles.
Comment: BS1, BS2, BP4, BP7

Genome Diagnostics Laboratory, The Hospital for Sick Children
Classification: Benign for Autoinflammatory syndrome. Last evaluated: 2021-04-08. Review status: criteria provided, single submitter. Criteria: ACMG Guidelines, 2015. Collection method: clinical testing. Allele origin: germline. Affected: yes.

Illumina Laboratory Services, Illumina
Classification: Benign for Familial cold autoinflammatory syndrome 2. Last evaluated: 2018-01-13. Review status: criteria provided, single submitter. Criteria: ICSL Variant Classification Criteria 13 December 2019. Collection method: clinical testing. Allele origin: germline.
Comment: This variant was observed in the ICSL laboratory as part of a predisposition screen in an ostensibly healthy population. It had not been previously curated by ICSL or reported in the Human Gene Mutation Database (HGMD: prior to June 1st, 2018), and was therefore a candidate for classification through an automated scoring system. Utilizing variant allele frequency, disease prevalence and penetrance estimates, and inheritance mode, an automated score was calculated to assess if this variant is too frequent to cause the disease. Based on the score and internal cut-off values, a variant classified as benign is not then subjected to further curation. The score for this variant resulted in a classification of benign for this disease.

Breakthrough Genomics
Classification: Benign. Review status: criteria provided, single submitter. Criteria: ACMG Guidelines, 2015. Collection method: not provided. Allele origin: germline. Inheritance: Autosomal dominant inheritance. Affected: yes.